The following is an entry in ClinVar:

NM_004360.5(CDH1):c.2302G>A (p.Asp768Asn)

Gene: CDH1 (cadherin 1; plus strand). Cytogenetic location: 16q22.1.
Variant type: single nucleotide variant.
Coding change: c.2302G>A on transcript NM_004360.5 (MANE Select); coding-DNA position 2302, G replaced by A.
Protein change: p.Asp768Asn; replaces aspartic acid 768 with asparagine.
Molecular consequence: missense variant.
Genome position (GRCh38, 1-based): chr16:68,829,660, G>A. VCF-style: chr16-68829660-G-A. GRCh37 (hg19) VCF-style: chr16-68863563-G-A.
Other names: c.2302G>A (LRG_301t1); c.2119G>A, p.Asp707Asn (NM_001317184.2); c.754G>A, p.Asp252Asn (NM_001317185.2); c.337G>A, p.Asp113Asn (NM_001317186.2); short protein forms D768N, D707N, D252N, D113N.
Identifiers: ClinVar variation 185205 (VCV000185205.16), dbSNP rs786201999, ClinGen allele CA191306.

ClinVar aggregate classification (germline): Uncertain significance. Review status: criteria provided, multiple submitters, no conflicts (2 of 4 stars). 3 submissions from 3 submitters: Uncertain significance (3). Last evaluated 2025-12-28.

Conditions:
Hereditary cancer-predisposing syndrome. Also called: Tumor predisposition; Hereditary Cancer Syndrome; Hereditary neoplastic syndrome; Neoplastic Syndromes, Hereditary. Identifiers: Orphanet 140162, MedGen C0027672, MeSH D009386, MONDO:0015356.
Hereditary diffuse gastric adenocarcinoma (HDGC). Also called: DIFFUSE GASTRIC AND LOBULAR BREAST CANCER SYNDROME. Identifiers: Orphanet 26106, MedGen C1708349, MONDO:0007648, OMIM 137215.
Familial cancer of breast. Also called: BREAST CANCER, FAMILIAL; hereditary breast carcinoma; Hereditary breast cancer. Identifiers: Orphanet 227535, MedGen C0346153, MONDO:0016419, OMIM 114480. Disease mechanism: loss of function.

Allele frequency attached by ClinVar (database versions not stated): gnomAD exomes below 0.00001 and 0.00001; gnomAD 0.00001; TOPMed 0.00001.
gnomAD v4.1: 3 of 1,613,958 alleles (0.00019%); highest among the groups gnomAD compares: African/African-American, 0.0013%; no homozygotes.

Submissions (3):

Labcorp Genetics (formerly Invitae), Labcorp
Classification: Uncertain significance for Hereditary diffuse gastric adenocarcinoma. Last evaluated: 2025-12-28. Review status: criteria provided, single submitter. Criteria: Invitae Variant Classification Sherloc (09022015). Collection method: clinical testing. Allele origin: germline.
Comment: This sequence change replaces aspartic acid, which is acidic and polar, with asparagine, which is neutral and polar, at codon 768 of the CDH1 protein (p.Asp768Asn). This variant is present in population databases (rs786201999, gnomAD 0.007%). This missense change has been observed in individual(s) with metastatic prostate cancer (PMID: 32923906). ClinVar contains an entry for this variant (Variation ID: 185205). An algorithm developed to predict the effect of missense changes on protein structure and function (PolyPhen-2) suggests that this variant is likely to be disruptive. In summary, the available evidence is currently insufficient to determine the role of this variant in disease. Therefore, it has been classified as a Variant of Uncertain Significance.

Baylor Genetics
Classification: Uncertain significance for Familial cancer of breast. Last evaluated: 2024-03-28. Review status: criteria provided, single submitter. Criteria: ACMG Guidelines, 2015. Collection method: clinical testing. Allele origin: unknown.

Ambry Genetics
Classification: Uncertain significance for Hereditary cancer-predisposing syndrome. Last evaluated: 2023-12-07. Review status: criteria provided, single submitter. Criteria: Ambry Variant Classification Scheme 2023. Collection method: clinical testing. Allele origin: germline.
Comment: The p.D768N variant (also known as c.2302G>A), located in coding exon 15 of the CDH1 gene, results from a G to A substitution at nucleotide position 2302. The aspartic acid at codon 768 is replaced by asparagine, an amino acid with highly similar properties. This amino acid position is highly conserved in available vertebrate species. In addition, the in silico prediction for this alteration is inconclusive. Since supporting evidence is limited at this time, the clinical significance of this alteration remains unclear.

Literature cited by the submitters: PubMed 32923906 (cited by Labcorp Genetics (formerly Invitae), Labcorp).